The following is an entry in ClinVar:

NM_000088.4(COL1A1):c.2929G>A (p.Gly977Ser)

Gene: COL1A1 (collagen type I alpha 1 chain; minus strand). Cytogenetic location: 17q21.33.
Variant type: single nucleotide variant.
Coding change: c.2929G>A on transcript NM_000088.4 (MANE Select); coding-DNA position 2929, G replaced by A.
Protein change: p.Gly977Ser; replaces glycine 977 with serine.
Molecular consequence: missense variant.
Genome position (GRCh38, 1-based): chr17:50,189,176, C>T on the plus strand (G>A on the coding strand, the complement: COL1A1 is on the minus strand). VCF-style: chr17-50189176-C-T. GRCh37 (hg19) VCF-style: chr17-48266537-C-T.
Other names: short protein forms G977S.
Identifiers: ClinVar variation 2117616 (VCV002117616.4), dbSNP rs2509181824, ClinGen allele CA400204670.

ClinVar aggregate classification (germline): Likely pathogenic (1 of 4 stars; one submission).

Conditions:
Osteogenesis imperfecta type I (OI1). Also called: Lobstein disease; OI, TYPE I; OSTEOGENESIS IMPERFECTA TARDA; OSTEOGENESIS IMPERFECTA WITH BLUE SCLERAE; Osteogenesis imperfecta type 1; Classic Non-deforming Osteogenesis Imperfecta with Blue Sclerae. Identifiers: Orphanet 216796, Orphanet 666, MedGen C0023931, MONDO:0008146, OMIM 166200. Disease mechanism: loss of function.

Allele frequency attached by ClinVar (database versions not stated): gnomAD exomes below 0.00001.
gnomAD v4.1: 1 of 1,613,838 alleles (0.000062%); highest among the groups gnomAD compares: Non-Finnish European, 0.000085%; no homozygotes.

Submission:

Labcorp Genetics (formerly Invitae), Labcorp
Classification: Likely pathogenic for Osteogenesis imperfecta type I. Last evaluated: 2022-03-28. Review status: criteria provided, single submitter. Criteria: Invitae Variant Classification Sherloc (09022015). Collection method: clinical testing. Allele origin: germline.
Comment: In summary, the currently available evidence indicates that the variant is pathogenic, but additional data are needed to prove that conclusively. Therefore, this variant has been classified as Likely Pathogenic. This sequence change replaces glycine, which is neutral and non-polar, with serine, which is neutral and polar, at codon 977 of the COL1A1 protein (p.Gly977Ser). This variant is not present in population databases (gnomAD no frequency). This missense change has been observed in individual(s) with osteogenesis imperfecta (Invitae). Advanced modeling of protein sequence and biophysical properties (such as structural, functional, and spatial information, amino acid conservation, physicochemical variation, residue mobility, and thermodynamic stability) performed at Invitae indicates that this missense variant is expected to disrupt COL1A1 protein function. This variant disrupts the triple helix domain of COL1A1. Glycine residues within the Gly-Xaa-Yaa repeats of the triple helix domain are required for the structure and stability of fibrillar collagens (PMID: 7695699, 8218237, 19344236). In COL1A1, variants affecting these glycine residues are significantly enriched in individuals with disease (PMID: 9016532, 17078022) compared to the general population (ExAC). This variant disrupts the p.Gly977 amino acid residue in COL1A1. Other variant(s) that disrupt this residue have been observed in individuals with COL1A1-related conditions (PMID: 18996919; Invitae), which suggests that this may be a clinically significant amino acid residue.

Literature cited by the submitters: PubMed 7695699; PubMed 8218237; PubMed 19344236; PubMed 9016532; PubMed 17078022; PubMed 18996919.